The following is an entry in ClinVar:

NM_001184880.2(PCDH19):c.2113C>T (p.Arg705Ter)

Gene: PCDH19 (protocadherin 19; minus strand). Cytogenetic location: Xq22.1.
Variant type: single nucleotide variant.
Coding change: c.2113C>T on transcript NM_001184880.2 (MANE Select); coding-DNA position 2113, C replaced by T.
Protein change: p.Arg705Ter; replaces arginine 705 with a stop codon.
Molecular consequence: nonsense.
Genome position (GRCh38, 1-based): chrX:100,406,485, G>A on the plus strand (C>T on the coding strand, the complement: PCDH19 is on the minus strand). VCF-style: chrX-100406485-G-A. GRCh37 (hg19) VCF-style: chrX-99661483-G-A.
Other names: c.2113C>T, p.Arg705Ter (NM_001105243.2, NM_020766.3); short protein forms R705*.
Identifiers: ClinVar variation 844229 (VCV000844229.10), dbSNP rs1928350631, ClinGen allele CA414001257.
Genomic context (GRCh38, chrX:100,406,485, plus strand): 5'-GACAAAGAAAGAAAACTTGGCTTTACCTGCAGTTGTAGGTCCGGATCTCTTTGTTGTCTC[G>A]CTTGCACTTGATTGCCACGAAGATCATAGTTACAAAGAGGATGCCCGCAATGGAGCCCAG-3'

ClinVar aggregate classification (germline): Pathogenic (1 of 4 stars; one submission).

Conditions:
Developmental and epileptic encephalopathy, 9 (DEE9). Also called: PCDH19-Related X-Linked Female-Limited Epilepsy with Mental Retardation; Early infantile epileptic encephalopathy 9; JUBERG-HELLMAN SYNDROME; EPILEPSY, FEMALE-RESTRICTED, WITH MENTAL RETARDATION. Identifiers: Orphanet 101039, Orphanet 2076, MedGen C1848137, MONDO:0010246, OMIM 300088. Disease mechanism: loss of function.

Submission:

Labcorp Genetics (formerly Invitae), Labcorp
Classification: Pathogenic for Developmental and epileptic encephalopathy, 9. Last evaluated: 2023-12-06. Review status: criteria provided, single submitter. Criteria: Invitae Variant Classification Sherloc (09022015). Collection method: clinical testing. Allele origin: germline.
Comment: This sequence change creates a premature translational stop signal (p.Arg705*) in the PCDH19 gene. It is expected to result in an absent or disrupted protein product. Loss-of-function variants in PCDH19 are known to be pathogenic (PMID: 21053371). This variant is not present in population databases (gnomAD no frequency). This premature translational stop signal has been observed in individual(s) with clinical features of PCDH19-related conditions (PMID: 29377098, 30287595). ClinVar contains an entry for this variant (Variation ID: 844229). For these reasons, this variant has been classified as Pathogenic.

Literature cited by the submitters: PubMed 21053371; PubMed 29377098; PubMed 30287595.